The following is an entry in ClinVar:

NM_194277.3(FRMD7):c.268C>T (p.Arg90Trp)

Gene: FRMD7 (FERM domain containing 7; minus strand). Cytogenetic location: Xq26.2.
Variant type: single nucleotide variant.
Coding change: c.268C>T on transcript NM_194277.3 (MANE Select); coding-DNA position 268, C replaced by T.
Protein change: p.Arg90Trp; replaces arginine 90 with tryptophan.
Molecular consequence: missense variant.
Genome position (GRCh38, 1-based): chrX:132,097,282, G>A on the plus strand (C>T on the coding strand, the complement: FRMD7 is on the minus strand). VCF-style: chrX-132097282-G-A. GRCh37 (hg19) VCF-style: chrX-131231310-G-A.
Other names: c.223C>T, p.Arg75Trp (NM_001306193.2); short protein forms R75W, R90W.
Identifiers: ClinVar variation 5007501 (VCV005007501.2).
Genomic context (GRCh38, chrX:132,097,282, plus strand): 5'-TTCTTAAGTAACATCATGCAGAGACACACAGGTAATCACTATACCTTGTAAGTTCTTCCC[G>A]CAGATGTCCAGGGTCCACTGGGAAAAATTTCACCATAAATTTGAAAACAATCTCCTTAGG-3'
Protein context (NP_919253.1, residues 80-100): KFFPVDPGHL[Arg90Trp]EELTRYLFTL

ClinVar aggregate classification (germline): Uncertain significance (1 of 4 stars; one submission).

Conditions:
Nystagmus 1, congenital, X-linked. Also called: NYSTAGMUS 1, INFANTILE, X-LINKED; NYSTAGMUS, CONGENITAL MOTOR, 1; NYSTAGMUS, INFANTILE IDIOPATHIC; NYSTAGMUS, INFANTILE PERIODIC ALTERNATING, X-LINKED; FRMD7-Related Infantile Nystagmus. Identifiers: MedGen C1839580, MONDO:0010693, OMIM 310700.

gnomAD v4.1: 1 of 1,186,081 alleles (0.000084%); highest among the groups gnomAD compares: African/African-American, 0.0018%; no homozygotes.

Submission:

Juno Genomics, Hangzhou Juno Genomics, Inc
Classification: Uncertain significance for Nystagmus 1, congenital, X-linked. Review status: criteria provided, single submitter. Criteria: ACMG Guidelines, 2015. Collection method: clinical testing. Allele origin: germline.
Comment: Absent from controls (or at extremely low frequency if recessive) in Genome Aggregation Database.;Multiple lines of computational evidence support a deleterious effect on the gene or gene product.